The following is an entry in ClinVar:

NM_000019.4(ACAT1):c.120+1G>C

Gene: ACAT1 (acetyl-CoA acetyltransferase 1; plus strand). Cytogenetic location: 11q22.3.
Variant type: single nucleotide variant.
Coding change: c.120+1G>C on transcript NM_000019.4 (MANE Select); the canonical splice donor site of the intron after coding-DNA position 120, G replaced by C.
Molecular consequence: splice donor variant.
Genome position (GRCh38, 1-based): chr11:108,131,955, G>C. VCF-style: chr11-108131955-G-C. GRCh37 (hg19) VCF-style: chr11-108002682-G-C.
Other names: c.-151+1G>C (NM_001386682.1, NM_001386681.1, NM_001386685.1 and 6 more transcripts); c.120+1G>C (NM_001386677.1, NM_001386678.1); c.-158+1G>C (NM_001386679.1).
Identifiers: ClinVar variation 1509341 (VCV001509341.10), dbSNP rs779908220, ClinGen allele CA228397423.

ClinVar aggregate classification (germline): Conflicting classifications of pathogenicity. Review status: criteria provided, conflicting classifications (1 of 4 stars). 4 submissions from 4 submitters: Likely pathogenic (3); Uncertain significance (1). Last evaluated 2025-07-18.

Conditions:
Deficiency of acetyl-CoA acetyltransferase. Also called: 3-KETOTHIOLASE DEFICIENCY; 3-OXOTHIOLASE DEFICIENCY; Beta-ketothiolase deficiency; MITOCHONDRIAL ACETOACETYL-CoA THIOLASE DEFICIENCY. Identifiers: Orphanet 134, MedGen C1536500, MONDO:0008760, OMIM 203750. Disease mechanism: loss of function.

Allele frequency attached by ClinVar (database versions not stated): gnomAD 0.00001; TOPMed 0.00001; gnomAD exomes 0.00002.
gnomAD v4.1: 25 of 1,503,500 alleles (0.0017%); highest among the groups gnomAD compares: Non-Finnish European, 0.0023%; no homozygotes.

Submissions (4):

Myriad Genetics, Inc.
Classification: Uncertain significance for Deficiency of acetyl-CoA acetyltransferase. Last evaluated: 2025-07-18. Review status: criteria provided, single submitter. Criteria: Myriad Autosomal Dominant, Autosomal Recessive and X-Linked Classification Criteria (2023). Collection method: clinical testing. Allele origin: unknown.
Comment: NM_000019.3(ACAT1):c.120+1G>C is a variant in a canonical splice site classified as a variant of uncertain significance in the context of beta-ketothiolase deficiency. c.120+1G>C has not been observed in cases with relevant disease. Relevant functional assessments of this variant are not available in the literature. c.120+1G>C has not been observed in referenced population frequency databases. In summary, there is insufficient evidence to classify NM_000019.3(ACAT1):c.120+1G>C as pathogenic or benign. Please note: this variant was assessed in the context of healthy population screening.

Fulgent Genetics
Classification: Likely pathogenic for Deficiency of acetyl-CoA acetyltransferase. Last evaluated: 2024-05-24. Review status: criteria provided, single submitter. Criteria: ACMG Guidelines, 2015. Collection method: clinical testing. Allele origin: germline.

Baylor Genetics
Classification: Likely pathogenic for Deficiency of acetyl-CoA acetyltransferase. Last evaluated: 2024-01-01. Review status: criteria provided, single submitter. Criteria: ACMG Guidelines, 2015. Collection method: clinical testing. Allele origin: unknown.

Labcorp Genetics (formerly Invitae), Labcorp
Classification: Likely pathogenic for Deficiency of acetyl-CoA acetyltransferase. Last evaluated: 2023-11-05. Review status: criteria provided, single submitter. Criteria: Invitae Variant Classification Sherloc (09022015). Collection method: clinical testing. Allele origin: germline.
Comment: This sequence change affects a donor splice site in intron 2 of the ACAT1 gene. It is expected to disrupt RNA splicing. Variants that disrupt the donor or acceptor splice site typically lead to a loss of protein function (PMID: 16199547), and loss-of-function variants in ACAT1 are known to be pathogenic (PMID: 7749408). This variant is not present in population databases (gnomAD no frequency). Disruption of this splice site has been observed in individual(s) with clinical features of beta-ketothiolase deficiency (Invitae). ClinVar contains an entry for this variant (Variation ID: 1509341). Algorithms developed to predict the effect of sequence changes on RNA splicing suggest that this variant may disrupt the consensus splice site. In summary, the currently available evidence indicates that the variant is pathogenic, but additional data are needed to prove that conclusively. Therefore, this variant has been classified as Likely Pathogenic.

Literature cited by the submitters: PubMed 16199547 (cited by Labcorp Genetics (formerly Invitae), Labcorp); PubMed 7749408 (cited by Labcorp Genetics (formerly Invitae), Labcorp).